The following is an entry in ClinVar:

ClinVar aggregate classification (germline): Uncertain significance (1 of 4 stars; one submission).

Conditions:
Congenital prothrombin deficiency. Also called: HYPOPROTHROMBINEMIA; Factor II deficiency; Hereditary factor II deficiency disease; Inherited hypoprothrombinemia; Congenital factor II deficiency; Inherited prothrombin deficiency. Identifiers: Orphanet 325, MedGen C0272317, MONDO:0013361, OMIM 613679.

Submission:

Labcorp Genetics (formerly Invitae), Labcorp
Classification: Uncertain significance for Congenital prothrombin deficiency. Last evaluated: 2025-10-23. Review status: criteria provided, single submitter. Criteria: Invitae Variant Classification Sherloc (09022015). Collection method: clinical testing. Allele origin: germline.
Comment: This sequence change replaces asparagine, which is neutral and polar, with serine, which is neutral and polar, at codon 252 of the F2 protein (p.Asn252Ser). This variant is not present in population databases (gnomAD no frequency). This variant has not been reported in the literature in individuals affected with F2-related conditions. Invitae Evidence Modeling of protein sequence and biophysical properties (such as structural, functional, and spatial information, amino acid conservation, physicochemical variation, residue mobility, and thermodynamic stability) indicates that this missense variant is not expected to disrupt F2 protein function with a negative predictive value of 80%. In summary, the available evidence is currently insufficient to determine the role of this variant in disease. Therefore, it has been classified as a Variant of Uncertain Significance.

NM_000506.5(F2):c.755A>G (p.Asn252Ser)

Gene: F2 (coagulation factor II, thrombin; plus strand). Cytogenetic location: 11p11.2.
Variant type: single nucleotide variant.
Coding change: c.755A>G on transcript NM_000506.5 (MANE Select); coding-DNA position 755, A replaced by G.
Protein change: p.Asn252Ser; replaces asparagine 252 with serine.
Molecular consequence: missense variant.
Genome position (GRCh38, 1-based): chr11:46,726,054, A>G. VCF-style: chr11-46726054-A-G. GRCh37 (hg19) VCF-style: chr11-46747604-A-G.
Other names: short protein forms N252S.
Identifiers: ClinVar variation 4754008 (VCV004754008.1).